The following is an entry in ClinVar:

NM_000545.8(HNF1A):c.*864C>T

Genes: C12orf43 (chromosome 12 open reading frame 43; minus strand), HNF1A (HNF1 homeobox A; plus strand). Cytogenetic location: 12q24.31.
Variant type: single nucleotide variant.
Coding change: c.*864C>T on transcript NM_000545.8 (MANE Select); 864 bases downstream of the stop codon, C replaced by T.
Molecular consequence: 3 prime UTR variant.
Genome position (GRCh38, 1-based): chr12:121,002,056, C>T. VCF-style: chr12-121002056-C-T. GRCh37 (hg19) VCF-style: chr12-121439859-C-T.
Other names: c.*2097G>A (NM_001286191.2, NM_001286196.2, NM_022895.3); c.*864C>T (NM_001306179.2, NM_001406915.1).
Identifiers: ClinVar variation 882298 (VCV000882298.5), dbSNP rs750496742, ClinGen allele CA6832237.

ClinVar aggregate classification (germline): Conflicting classifications of pathogenicity. Review status: criteria provided, conflicting classifications (1 of 4 stars). 2 submissions from 2 submitters: Uncertain significance (1); Benign (1). Last evaluated 2018-01-13.

Conditions:
Maturity-onset diabetes of the young (MODY). Also called: Maturity onset diabetes mellitus in young. Identifiers: Orphanet 552, MedGen C0342276, MONDO:0018911, HP:0004904.
Maturity-onset diabetes of the young type 3. Also called: MODY type 3; MODY, type III. Identifiers: Orphanet 552, MedGen C1838100, MeSH C563933, MONDO:0010894, OMIM 600496. Disease mechanism: loss of function.

Allele frequency attached by ClinVar (database versions not stated): ExAC 0.00010; gnomAD 0.00011 and 0.00014; gnomAD exomes 0.00014 and 0.00018; TOPMed 0.00015.
gnomAD v4.1: 90 of 536,744 alleles (0.017%); highest among the groups gnomAD compares: Non-Finnish European, 0.025%; no homozygotes.

Submissions (2):

Illumina Laboratory Services, Illumina
Classification: Uncertain significance for Maturity-onset diabetes of the young type 3. Last evaluated: 2018-01-13. Review status: criteria provided, single submitter. Criteria: ICSL Variant Classification Criteria 13 December 2019. Collection method: clinical testing. Allele origin: germline.

Clinical Genomics, Uppaluri K&H Personalized Medicine Clinic
Classification: Benign for Maturity-onset diabetes of the young. Review status: criteria provided, single submitter. Criteria: K & H Uppaluri Personalized Medicine Clinic Variant Classification & Assertion Criteria_Updated V.1. Collection method: research. Allele origin: unknown. Inheritance: Autosomal dominant inheritance.
Comment: Mutations in HNF1A gene can predispose to MODY3. It is associated with both micro and macrovascular complications of diabetes, especially cardiovascular complications. Associated with glucosuria. May respond well to sulfonylureas. However, more evidence is required to confer the association of this particular variant rs750496742 with MODY3.

Literature cited by the submitters: PubMed 31517624 (cited by Clinical Genomics, Uppaluri K&H Personalized Medicine Clinic); PubMed 32395877 (cited by Clinical Genomics, Uppaluri K&H Personalized Medicine Clinic); PubMed 35328643 (cited by Clinical Genomics, Uppaluri K&H Personalized Medicine Clinic); PubMed 35673428 (cited by Clinical Genomics, Uppaluri K&H Personalized Medicine Clinic).